The following is an entry in ClinVar:

NM_003098.3(SNTA1):c.256C>T (p.Arg86Cys)

Genes: SNTA1 (syntrophin alpha 1; minus strand), LOC130065679 (ATAC-STARR-seq lymphoblastoid silent region 12811; plus strand). Cytogenetic location: 20q11.21.
Variant type: single nucleotide variant.
Coding change: c.256C>T on transcript NM_003098.3 (MANE Select); coding-DNA position 256, C replaced by T.
Protein change: p.Arg86Cys; replaces arginine 86 with cysteine.
Molecular consequence: missense variant.
Genome position (GRCh38, 1-based): chr20:33,443,365, G>A on the plus strand (C>T on the coding strand, the complement: SNTA1 is on the minus strand). VCF-style: chr20-33443365-G-A. GRCh37 (hg19) VCF-style: chr20-32031171-G-A.
Other names: c.256C>T, p.Arg86Cys (NM_001424413.1, NM_001424414.1); short protein forms R86C.
Identifiers: ClinVar variation 2691707 (VCV002691707.2), dbSNP rs2515129740, ClinGen allele CA408634021.

ClinVar aggregate classification (germline): Uncertain significance. Review status: criteria provided, multiple submitters, no conflicts (2 of 4 stars). 2 submissions from 2 submitters: Uncertain significance (2). Last evaluated 2023-12-03.

Submissions (2):

Women's Health and Genetics/Laboratory Corporation of America, LabCorp
Classification: Uncertain significance. Last evaluated: 2023-12-03. Review status: criteria provided, single submitter. Criteria: LabCorp Variant Classification Summary - May 2015. Collection method: clinical testing. Allele origin: germline.

GeneDx
Classification: Uncertain significance. Last evaluated: 2023-12-01. Review status: criteria provided, single submitter. Criteria: GeneDx Variant Classification Process June 2021. Collection method: clinical testing. Allele origin: germline. Affected: yes.
Comment: Has not been previously published as pathogenic or benign to our knowledge; Not observed at significant frequency in large population cohorts (gnomAD); In silico analysis supports that this missense variant has a deleterious effect on protein structure/function